The following is an entry in ClinVar:

ClinVar aggregate classification (germline): Uncertain significance. Review status: criteria provided, multiple submitters, no conflicts (2 of 4 stars). 2 submissions from 2 submitters: Uncertain significance (2). Last evaluated 2026-02-12.

Conditions:
X-linked intellectual disability, Cantagrel type (XLID98). Also called: INTELLECTUAL DEVELOPMENTAL DISORDER, X-LINKED 98. Identifiers: Orphanet 85277, MedGen C3806730, MONDO:0010483, OMIM 300912.

Submissions (2):

GeneDx
Classification: Uncertain significance. Last evaluated: 2026-02-12. Review status: criteria provided, single submitter. Criteria: GeneDx Variant Classification Process June 2021. Collection method: clinical testing. Allele origin: germline.
Comment: Not observed at significant frequency in large population cohorts (gnomAD); In silico analysis suggests that this missense variant does not alter protein structure/function; Has not been previously published as pathogenic or benign to our knowledge

Baylor Genetics
Classification: Uncertain significance for X-linked intellectual disability, Cantagrel type. Last evaluated: 2020-08-24. Review status: criteria provided, single submitter. Criteria: ACMG Guidelines, 2015. Collection method: clinical testing. Allele origin: unknown. Affected: yes.
Comment: This variant was determined to be of uncertain significance according to ACMG Guidelines, 2015 [PMID:25741868].

NM_001008537.3(NEXMIF):c.4397A>C (p.His1466Pro)

Gene: NEXMIF (neurite extension and migration factor; minus strand). Cytogenetic location: Xq13.3.
Variant type: single nucleotide variant.
Coding change: c.4397A>C on transcript NM_001008537.3 (MANE Select); coding-DNA position 4397, A replaced by C.
Protein change: p.His1466Pro; replaces histidine 1466 with proline.
Molecular consequence: missense variant.
Genome position (GRCh38, 1-based): chrX:74,740,160, T>G on the plus strand (A>C on the coding strand, the complement: NEXMIF is on the minus strand). VCF-style: chrX-74740160-T-G. GRCh37 (hg19) VCF-style: chrX-73959995-T-G.
Other names: c.4397A>C (NM_001008537.1); short protein forms H1466P.
Identifiers: ClinVar variation 1030948 (VCV001030948.2), dbSNP rs2080097127, ClinGen allele CA413663367.
Genomic context (GRCh38, chrX:74,740,160, plus strand): 5'-CTCAGTTTTTCAAAAGAAGCTGTCCCAGACTCATCCTTGTGGACCTGTTCTCGCTCCATG[T>G]GCTTTCCCTTACATTTCTCATCTCTCAGGGCCTTGGAGCTGGATTTGTGACGATACAACT-3'
Protein context (NP_001008537.1, residues 1456-1476): ALRDEKCKGK[His1466Pro]MEREQVHKDE